The following is an entry in ClinVar:

ClinVar aggregate classification (germline): Benign/Likely benign. Review status: criteria provided, multiple submitters, no conflicts (2 of 4 stars). 10 submissions from 10 submitters: Benign (1); Likely benign (7). 2 of the submissions do not count toward it. Last evaluated 2025-12-15.

Conditions:
Hereditary cancer-predisposing syndrome. Also called: Tumor predisposition; Neoplastic Syndromes, Hereditary; Hereditary neoplastic syndrome; Hereditary Cancer Syndrome. Identifiers: Orphanet 140162, MedGen C0027672, MeSH D009386, MONDO:0015356.
Familial cancer of breast. Also called: BREAST CANCER, FAMILIAL; hereditary breast carcinoma; Hereditary breast cancer. Identifiers: Orphanet 227535, MedGen C0346153, MONDO:0016419, OMIM 114480. Disease mechanism: loss of function.
Malignant tumor of breast. Also called: Malignant breast neoplasm; Cancer breast. Identifiers: MedGen C0006142, MONDO:0007254. Disease mechanism: loss of function.

Allele frequency attached by ClinVar (database versions not stated): gnomAD 0.00001; TOPMed 0.00002.
gnomAD v4.1: 66 of 1,596,272 alleles (0.0041%); highest among the groups gnomAD compares: Non-Finnish European, 0.0051%; no homozygotes.

Submissions (10):

Labcorp Genetics (formerly Invitae), Labcorp
Classification: Likely benign for Familial cancer of breast. Last evaluated: 2025-12-15. Review status: criteria provided, single submitter. Criteria: Invitae Variant Classification Sherloc (09022015). Collection method: clinical testing. Allele origin: germline.

Women's Health and Genetics/Laboratory Corporation of America, LabCorp
Classification: Likely benign. Last evaluated: 2024-07-18. Review status: criteria provided, single submitter. Criteria: LabCorp Variant Classification Summary - May 2015. Collection method: clinical testing. Allele origin: germline.

Blueprint Genetics
Classification: Likely benign. Last evaluated: 2024-07-10. Review status: criteria provided, single submitter. Criteria: ACMG Guidelines, 2015. Collection method: clinical testing. Allele origin: germline.

Myriad Genetics, Inc.
Classification: Benign for Familial cancer of breast. Last evaluated: 2023-03-08. Review status: criteria provided, single submitter. Criteria: Myriad Autosomal Dominant, Autosomal Recessive and X-Linked Classification Criteria (2023). Collection method: clinical testing. Allele origin: unknown.
Comment: This variant is considered benign. This variant is a silent/synonymous amino acid change and it is not expected to impact splicing.

Quest Diagnostics Nichols Institute San Juan Capistrano
Classification: Likely benign. Last evaluated: 2020-01-21. Review status: criteria provided, single submitter. Criteria: Quest Diagnostics criteria. Collection method: clinical testing. Allele origin: unknown.

GeneDx
Classification: Likely benign. Last evaluated: 2019-12-05. Review status: criteria provided, single submitter. Criteria: GeneDx Variant Classification Process June 2021. Collection method: clinical testing. Allele origin: germline. Affected: yes.

Color Diagnostics, LLC DBA Color Health
Classification: Likely benign for Hereditary cancer-predisposing syndrome. Last evaluated: 2015-10-30. Review status: criteria provided, single submitter. Criteria: ACMG Guidelines, 2015. Collection method: clinical testing. Allele origin: germline.

Ambry Genetics
Classification: Likely benign for Hereditary cancer-predisposing syndrome. Last evaluated: 2015-01-21. Review status: criteria provided, single submitter. Criteria: Ambry Variant Classification Scheme 2023. Collection method: clinical testing. Allele origin: germline.

Counsyl
Classification: Likely benign for Familial cancer of breast. Last evaluated: 2018-02-15. Review status: no assertion criteria provided. Collection method: clinical testing. Allele origin: unknown. Not counted in ClinVar's aggregate classification.

Department of Pathology and Laboratory Medicine, Sinai Health System
Classification: Likely benign for Malignant tumor of breast. Review status: no assertion criteria provided. Collection method: clinical testing. Allele origin: unknown. Affected: yes. Study: The Canadian Open Genetics Repository (COGR). Not counted in ClinVar's aggregate classification.
Comment: The CHEK2 p.Ala530= variant was not identified in the literature nor was it identified in Cosmic or Zhejiang University Database. The variant was identified in dbSNP (ID: rs786201796 as "With Likely benign, Uncertain significance allele") and ClinVar (classified as likely benign by Ambry Genetics, Invitae, Color Genomics, GeneDx, and Counsyl). The variant was identified in control databases in 4 of 260074 chromosomes at a frequency of 0.00002 (Genome Aggregation Database Feb 27, 2017). The variant was observed in the following populations: European in 3 of 121966 chromosomes (freq: 0.00003), and South Asian in 1 of 30508 chromosomes (freq: 0.00003); it was not observed in the African, Other, Latino, Ashkenazi Jewish, East Asian, and Finnish, populations. The p.Ala530= variant is not expected to have clinical significance because it does not result in a change of amino acid and is not located in a known consensus splice site. In addition, 4 of 4 in silico or computational prediction software programs (SpliceSiteFinder, MaxEntScan, NNSPLICE, GeneSplicer, HumanSpliceFinder) do not predict a difference in splicing. In summary, based on the above information the clinical significance of this variant cannot be determined with certainty at this time although we would lean towards a more benign role for this variant. This variant is classified as likely benign.

NM_007194.4(CHEK2):c.1590C>T (p.Ala530=)

Gene: CHEK2 (checkpoint kinase 2; minus strand). Cytogenetic location: 22q12.1.
Variant type: single nucleotide variant.
Coding change: c.1590C>T on transcript NM_007194.4 (MANE Select); coding-DNA position 1590, C replaced by T.
Protein change: p.Ala530=; no amino-acid change (alanine 530 retained).
Molecular consequence: synonymous variant.
Genome position (GRCh38, 1-based): chr22:28,687,939, G>A on the plus strand (C>T on the coding strand, the complement: CHEK2 is on the minus strand). VCF-style: chr22-28687939-G-A. GRCh37 (hg19) VCF-style: chr22-29083927-G-A.
Other names: c.927C>T, p.Ala309= (NM_001257387.3); c.1389C>T, p.Ala463= (NM_001349956.3); c.1503C>T, p.Ala501= (NM_145862.3); c.1719C>T, p.Ala573= (NM_001005735.3).
Identifiers: ClinVar variation 184926 (VCV000184926.26), dbSNP rs786201796, ClinGen allele CA190493.
Genomic context (GRCh38, chr22:28,687,939, plus strand): 5'-GTGTTCAAACCACGGAGTTCACAACACAGCAGCACACACAGCTGGGCGCTTTGTGGTCTC[G>A]GCACCCTCGGCTTCCCCTTCACGGGGCCGCTTTCGACTAGTAGAAGGCTGAAAATAAAGG-3'
Protein context (NP_009125.1, residues 520-540): KRPREGEAEG[Ala530=]ETTKRPAVCA